The following is an entry in ClinVar:

NM_004360.5(CDH1):c.1287A>G (p.Pro429=)

Gene: CDH1 (cadherin 1; plus strand). Cytogenetic location: 16q22.1.
Variant type: single nucleotide variant.
Coding change: c.1287A>G on transcript NM_004360.5 (MANE Select); coding-DNA position 1287, A replaced by G.
Protein change: p.Pro429=; no amino-acid change (proline 429 retained).
Molecular consequence: synonymous variant. On other transcripts: 5 prime UTR variant (2), intron variant (1).
Genome position (GRCh38, 1-based): chr16:68,813,462, A>G. VCF-style: chr16-68813462-A-G. GRCh37 (hg19) VCF-style: chr16-68847365-A-G.
Other names: c.-329A>G (NM_001317185.2); c.-533A>G (NM_001317186.2); c.1137+1199A>G (NM_001317184.2).
Identifiers: ClinVar variation 3378580 (VCV003378580.2).

ClinVar aggregate classification (germline): Conflicting classifications of pathogenicity. Review status: criteria provided, conflicting classifications (1 of 4 stars). 2 submissions from 2 submitters: Uncertain significance (1); Benign (1). Last evaluated 2024-09-18.

Conditions:
Hereditary diffuse gastric adenocarcinoma (HDGC). Also called: DIFFUSE GASTRIC AND LOBULAR BREAST CANCER SYNDROME. Identifiers: Orphanet 26106, MedGen C1708349, MONDO:0007648, OMIM 137215.

gnomAD v4.1: 1 of 1,614,220 alleles (0.000062%); highest among the groups gnomAD compares: Non-Finnish European, 0.000085%; no homozygotes.

Submissions (2):

Myriad Genetics, Inc.
Classification: Benign for Hereditary diffuse gastric adenocarcinoma. Last evaluated: 2024-09-18. Review status: criteria provided, single submitter. Criteria: Myriad Autosomal Dominant, Autosomal Recessive and X-Linked Classification Criteria (2023). Collection method: clinical testing. Allele origin: unknown.
Comment: This variant is considered benign. This variant is a silent/synonymous amino acid change and it is not expected to impact splicing.

Department of Pathology and Laboratory Medicine, Sinai Health System
Classification: Uncertain significance for Hereditary diffuse gastric adenocarcinoma. Last evaluated: 2023-07-11. Review status: criteria provided, single submitter. Criteria: ACMG Guidelines, 2015. Collection method: clinical testing. Allele origin: germline. Affected: yes.